The following is an entry in ClinVar:

NM_002968.3(SALL1):c.2938A>T (p.Ile980Phe)

Gene: SALL1 (spalt like transcription factor 1; minus strand). Cytogenetic location: 16q12.1.
Variant type: single nucleotide variant.
Coding change: c.2938A>T on transcript NM_002968.3 (MANE Select); coding-DNA position 2938, A replaced by T.
Protein change: p.Ile980Phe; replaces isoleucine 980 with phenylalanine.
Molecular consequence: missense variant.
Genome position (GRCh38, 1-based): chr16:51,139,284, T>A on the plus strand (A>T on the coding strand, the complement: SALL1 is on the minus strand). VCF-style: chr16-51139284-T-A. GRCh37 (hg19) VCF-style: chr16-51173195-T-A.
Other names: c.2647A>T, p.Ile883Phe (NM_001127892.2); short protein forms I883F, I980F.
Identifiers: ClinVar variation 1328823 (VCV001328823.4), dbSNP rs780478776, ClinGen allele CA8053012.

ClinVar aggregate classification (germline): Uncertain significance. Review status: criteria provided, multiple submitters, no conflicts (2 of 4 stars). 3 submissions from 3 submitters: Uncertain significance (3). Last evaluated 2025-10-23.

Conditions:
Inborn genetic diseases. Identifiers: MedGen C0950123, MeSH D030342.
Townes-Brocks syndrome 1 (TBS1). Also called: REAR SYNDROME; RENAL-EAR-ANAL-RADIAL SYNDROME; SALL1-Related Townes-Brocks Syndrome; DEAFNESS, SENSORINEURAL, WITH IMPERFORATE ANUS AND THUMB ANOMALIES. Identifiers: Orphanet 857, MedGen C4551481, MONDO:0054581, OMIM 107480.

Allele frequency attached by ClinVar (database versions not stated): gnomAD exomes below 0.00001 and 0.00001; ExAC 0.00001; gnomAD 0.00002; TOPMed 0.00003.
gnomAD v4.1: 7 of 1,614,026 alleles (0.00043%); highest among the groups gnomAD compares: African/African-American, 0.0093%; no homozygotes.

Submissions (3):

Ambry Genetics
Classification: Uncertain significance for Inborn genetic diseases. Last evaluated: 2025-10-23. Review status: criteria provided, single submitter. Criteria: Ambry Variant Classification Scheme 2023. Collection method: clinical testing. Allele origin: germline.

Fulgent Genetics
Classification: Uncertain significance for Townes-Brocks syndrome 1. Last evaluated: 2022-05-07. Review status: criteria provided, single submitter. Criteria: ACMG Guidelines, 2015. Collection method: clinical testing. Allele origin: unknown.

GeneDx
Classification: Uncertain significance. Last evaluated: 2021-06-17. Review status: criteria provided, single submitter. Criteria: GeneDx Variant Classification Process June 2021. Collection method: clinical testing. Allele origin: germline. Affected: yes.
Comment: Has not been previously published as pathogenic or benign to our knowledge; In silico analysis supports that this missense variant does not alter protein structure/function; This variant is associated with the following publications: (PMID: 27535533)